The following is an entry in ClinVar:

ClinVar aggregate classification (germline): Benign/Likely benign. Review status: criteria provided, multiple submitters, no conflicts (2 of 4 stars). 3 submissions from 3 submitters: Benign (1); Likely benign (2). Last evaluated 2025-03-19.

Conditions:
Angelman syndrome-like. Identifiers: MedGen CN128785.
Developmental and epileptic encephalopathy, 2 (DEE2). Also called: INFANTILE SPASM SYNDROME, X-LINKED 2; CDKL5 deficiency disorder. Identifiers: Orphanet 1934, Orphanet 3451, Orphanet 505652, MedGen C4750718, MONDO:0010396, OMIM 300672.

Allele frequency attached by ClinVar (database versions not stated): gnomAD 0.00007; gnomAD exomes 0.00007 and 0.00003; TOPMed 0.00008; ExAC 0.00003.
gnomAD v4.1: 85 of 1,209,553 alleles (0.007%); highest among the groups gnomAD compares: African/African-American, 0.019%; no homozygotes.

Submissions (3):

Labcorp Genetics (formerly Invitae), Labcorp
Classification: Benign for Developmental and epileptic encephalopathy, 2; Angelman syndrome-like. Last evaluated: 2025-03-19. Review status: criteria provided, single submitter. Criteria: Invitae Variant Classification Sherloc (09022015). Collection method: clinical testing. Allele origin: germline.

Blueprint Genetics
Classification: Likely benign. Last evaluated: 2024-09-06. Review status: criteria provided, single submitter. Criteria: ACMG Guidelines, 2015. Collection method: clinical testing. Allele origin: germline.

GeneDx
Classification: Likely benign. Last evaluated: 2015-12-29. Review status: criteria provided, single submitter. Criteria: GeneDx Variant Classification (06012015). Collection method: clinical testing. Allele origin: germline. Affected: yes.
Comment: This variant is considered likely benign or benign based on one or more of the following criteria: it is a conservative change, it occurs at a poorly conserved position in the protein, it is predicted to be benign by multiple in silico algorithms, and/or has population frequency not consistent with disease.

NM_003159.3(CDKL5):c.2797+16C>T

Genes: CDKL5 (cyclin dependent kinase like 5; plus strand), RS1 (retinoschisin 1; minus strand). Cytogenetic location: Xp22.13.
Variant type: single nucleotide variant.
Coding change: c.2797+16C>T on transcript NM_003159.3; 16 bases into the intron after coding-DNA position 2797, C replaced by T.
Molecular consequence: intron variant.
Genome position (GRCh38, 1-based): chrX:18,646,106, C>T. VCF-style: chrX-18646106-C-T. GRCh37 (hg19) VCF-style: chrX-18664226-C-T.
Other names: c.2797+16C>T (NM_001037343.2); c.326+1085G>A (NM_000330.4).
Identifiers: ClinVar variation 377650 (VCV000377650.11), dbSNP rs778757202, ClinGen allele CA10360676.